The following is an entry in ClinVar:

NM_001903.5(CTNNA1):c.804A>G (p.Ser268=)

Gene: CTNNA1 (catenin alpha 1; plus strand). Cytogenetic location: 5q31.2.
Variant type: single nucleotide variant.
Coding change: c.804A>G on transcript NM_001903.5 (MANE Select); coding-DNA position 804, A replaced by G.
Protein change: p.Ser268=; no amino-acid change (serine 268 retained).
Molecular consequence: synonymous variant.
Genome position (GRCh38, 1-based): chr5:138,824,745, A>G. VCF-style: chr5-138824745-A-G. GRCh37 (hg19) VCF-style: chr5-138160434-A-G.
Other names: c.804A>G, p.Ser268= (NM_001290307.3, NM_001323982.2, NM_001323983.1 and 3 more transcripts); c.495A>G, p.Ser165= (NM_001290309.3); c.435A>G, p.Ser145= (NM_001290310.3); c.804A>G (NM_001903.2).
Identifiers: ClinVar variation 3773374 (VCV003773374.2).

ClinVar aggregate classification (germline): Benign/Likely benign. Review status: criteria provided, multiple submitters, no conflicts (2 of 4 stars). 2 submissions from 2 submitters: Benign (1); Likely benign (1). Last evaluated 2025-01-13.

Conditions:
Hereditary diffuse gastric adenocarcinoma (HDGC). Also called: DIFFUSE GASTRIC AND LOBULAR BREAST CANCER SYNDROME. Identifiers: Orphanet 26106, MedGen C1708349, MONDO:0007648, OMIM 137215.
Hereditary cancer-predisposing syndrome. Also called: Hereditary Cancer Syndrome; Hereditary neoplastic syndrome; Tumor predisposition; Neoplastic Syndromes, Hereditary. Identifiers: Orphanet 140162, MedGen C0027672, MeSH D009386, MONDO:0015356.

Submissions (2):

Ambry Genetics
Classification: Likely benign for Hereditary cancer-predisposing syndrome. Last evaluated: 2025-01-13. Review status: criteria provided, single submitter. Criteria: Ambry Variant Classification Scheme 2023. Collection method: clinical testing. Allele origin: germline.

Myriad Genetics, Inc.
Classification: Benign for Hereditary diffuse gastric adenocarcinoma. Last evaluated: 2024-10-10. Review status: criteria provided, single submitter. Criteria: Myriad Autosomal Dominant, Autosomal Recessive and X-Linked Classification Criteria (2023). Collection method: clinical testing. Allele origin: unknown.
Comment: This variant is considered benign. This variant is a silent/synonymous amino acid change and it is not expected to impact splicing.